The following is an entry in ClinVar:

ClinVar aggregate classification (germline): Likely benign. Review status: criteria provided, single submitter (1 of 4 stars). 2 submissions from 2 submitters: Likely benign (1). 1 of the submissions does not count toward it. Last evaluated 2025-09-07.

Conditions:
PPP2R5D-related disorder. Also called: PPP2R5D-related condition.

Allele frequency attached by ClinVar (database versions not stated): ExAC 0.00001; gnomAD exomes 0.00001; gnomAD 0.00005 and 0.00006; TOPMed 0.00008.
gnomAD v4.1: 10 of 1,614,040 alleles (0.00062%); highest among the groups gnomAD compares: African/African-American, 0.011%; no homozygotes.

Submissions (2):

Labcorp Genetics (formerly Invitae), Labcorp
Classification: Likely benign. Last evaluated: 2025-09-07. Review status: criteria provided, single submitter. Criteria: Invitae Variant Classification Sherloc (09022015). Collection method: clinical testing. Allele origin: germline.

PreventionGenetics, part of Exact Sciences
Classification: Likely benign for PPP2R5D-related condition. Last evaluated: 2023-06-22. Review status: no assertion criteria provided. Collection method: clinical testing. Allele origin: germline. Not counted in ClinVar's aggregate classification.
Comment: This variant is classified as likely benign based on ACMG/AMP sequence variant interpretation guidelines (Richards et al. 2015 PMID: 25741868, with internal and published modifications).

NM_006245.4(PPP2R5D):c.438G>T (p.Arg146=)

Gene: PPP2R5D (protein phosphatase 2 regulatory subunit B'delta; plus strand). Cytogenetic location: 6p21.1.
Variant type: single nucleotide variant.
Coding change: c.438G>T on transcript NM_006245.4 (MANE Select); coding-DNA position 438, G replaced by T.
Protein change: p.Arg146=; no amino-acid change (arginine 146 retained).
Molecular consequence: synonymous variant. On other transcripts: 5 prime UTR variant (1).
Genome position (GRCh38, 1-based): chr6:43,007,026, G>T. VCF-style: chr6-43007026-G-T. GRCh37 (hg19) VCF-style: chr6-42974764-G-T.
Other names: c.-16G>T (NM_001270476.2); c.342G>T, p.Arg114= (NM_180976.3); c.120G>T, p.Arg40= (NM_180977.3); c.438G>T (NM_006245.3).
Identifiers: ClinVar variation 1628700 (VCV001628700.10), dbSNP rs768938592, ClinGen allele CA3811817.